The following is an entry in ClinVar:

NM_145698.5(ACBD5):c.936+1G>A

Gene: ACBD5 (acyl-CoA binding domain containing 5; minus strand). Cytogenetic location: 10p12.1.
Variant type: single nucleotide variant.
Coding change: c.936+1G>A on transcript NM_145698.5 (MANE Select); the canonical splice donor site of the intron after coding-DNA position 936, G replaced by A.
Molecular consequence: splice donor variant.
Genome position (GRCh38, 1-based): chr10:27,215,534, C>T on the plus strand (G>A on the coding strand, the complement: ACBD5 is on the minus strand). VCF-style: chr10-27215534-C-T. GRCh37 (hg19) VCF-style: chr10-27504463-C-T.
Other names: c.936+1G>A (NM_001352570.1); c.609+1G>A (NM_001301253.2, NM_001301251.2, NM_001352583.1 and 2 more transcripts); c.777+1G>A (NM_001352580.2); c.831+1G>A (NM_001352577.2, NM_001042473.4, NM_001352578.2 and 1 more transcripts); c.864+1G>A (NM_001352575.2, NM_001352574.2, NM_001352576.2); c.627+1G>A (NM_001352582.2); c.642+1G>A (NM_001352585.1); c.957+1G>A (NM_001352572.1); and 10 more.
Identifiers: ClinVar variation 3367141 (VCV003367141.1).

ClinVar aggregate classification (germline): Likely pathogenic (1 of 4 stars; one submission).

Conditions:
Retinal dystrophy with leukodystrophy. Identifiers: MedGen C5394315, MONDO:0030026, OMIM 618863.

Submission:

Neuberg Centre For Genomic Medicine, NCGM
Classification: Likely pathogenic for Retinal dystrophy with leukodystrophy. Last evaluated: 2023-05-20. Review status: criteria provided, single submitter. Criteria: ACMG Guidelines, 2015. Collection method: clinical testing. Allele origin: germline. Inheritance: Autosomal recessive inheritance. Affected: yes.
Comment: The observed splice donor variant c.936+1G>A in ACBD5 gene has not been reported previously as a pathogenic variant nor as a benign variant, to our knowledge. The c.936+1G>A variant is absent in gnomAD Exomes. This variant is predicted to be damaging by SpliceAI Prediction. The variant affects the GT donor splice site downstream of exon 8. This variant is predicted to cause loss of normal protein function through protein truncation. Loss of function variants have been previously reported to be disease causing (Abu-Safieh L, et al., 2013). For these reasons, this variant has been classified as Likely Pathogenic.